The following is an entry in ClinVar:

NM_003280.3(TNNC1):c.105C>T (p.Cys35=)

Gene: TNNC1 (troponin C1, slow skeletal and cardiac type; minus strand). Cytogenetic location: 3p21.1.
Variant type: single nucleotide variant.
Coding change: c.105C>T on transcript NM_003280.3 (MANE Select); coding-DNA position 105, C replaced by T.
Protein change: p.Cys35=; no amino-acid change (cysteine 35 retained).
Molecular consequence: synonymous variant.
Genome position (GRCh38, 1-based): chr3:52,452,203, G>A on the plus strand (C>T on the coding strand, the complement: TNNC1 is on the minus strand). VCF-style: chr3-52452203-G-A. GRCh37 (hg19) VCF-style: chr3-52486219-G-A.
Identifiers: ClinVar variation 680497 (VCV000680497.10), dbSNP rs1359525416, ClinGen allele CA433886849.

ClinVar aggregate classification (germline): Likely benign. Review status: criteria provided, multiple submitters, no conflicts (2 of 4 stars). 3 submissions from 3 submitters: Likely benign (3). Last evaluated 2026-01-18.

Conditions:
Cardiovascular phenotype. Identifiers: MedGen CN230736.
Hypertrophic cardiomyopathy 13. Also called: TNNC1-Related Familial Hypertrophic Cardiomyopathy. Identifiers: MedGen C2750472, MONDO:0013195, OMIM 613243.
Dilated cardiomyopathy 1Z (CMD1Z). Identifiers: Orphanet 154, MedGen C2678475, MONDO:0012745, OMIM 611879.

Allele frequency attached by ClinVar (database versions not stated): gnomAD exomes 0.00001; gnomAD 0.00003 and 0.00004; TOPMed 0.00003.
gnomAD v4.1: 16 of 1,613,862 alleles (0.00099%); highest among the groups gnomAD compares: African/African-American, 0.004%; no homozygotes.

Submissions (3):

Labcorp Genetics (formerly Invitae), Labcorp
Classification: Likely benign for Hypertrophic cardiomyopathy 13; Dilated cardiomyopathy 1Z. Last evaluated: 2026-01-18. Review status: criteria provided, single submitter. Criteria: Invitae Variant Classification Sherloc (09022015). Collection method: clinical testing. Allele origin: germline.

Ambry Genetics
Classification: Likely benign for Cardiovascular phenotype. Last evaluated: 2019-04-04. Review status: criteria provided, single submitter. Criteria: Ambry Variant Classification Scheme 2023. Collection method: clinical testing. Allele origin: germline.

GeneDx
Classification: Likely benign. Last evaluated: 2018-03-19. Review status: criteria provided, single submitter. Criteria: GeneDx Variant Classification (06012015). Collection method: clinical testing. Allele origin: germline. Affected: yes.
Comment: This variant is considered likely benign or benign based on one or more of the following criteria: it is a conservative change, it occurs at a poorly conserved position in the protein, it is predicted to be benign by multiple in silico algorithms, and/or has population frequency not consistent with disease.